The following is an entry in ClinVar:

NM_000070.3(CAPN3):c.60del (p.Pro22fs)

Gene: CAPN3 (calpain 3; plus strand). Cytogenetic location: 15q15.1.
Variant type: Deletion.
Coding change: c.60del on transcript NM_000070.3 (MANE Select); coding-DNA position 60, one base deleted (A; older notation c.60delA).
Protein change: p.Pro22fs; shifts the reading frame from proline 22.
Molecular consequence: frameshift variant.
Genome position (GRCh38, 1-based): chr15:42,359,865, A deleted. VCF-style (leftmost placement, unchanged base first): chr15-42359864-CA-C. GRCh37 (hg19) VCF-style: chr15-42652062-CA-C.
Other names: c.60del, p.Pro22fs (NM_024344.2, NM_173087.2); c.60del (NM_000070.2); c.60delA (NM_000070.2); short protein forms P22fs.
Identifiers: ClinVar variation 1069199 (VCV001069199.17), dbSNP rs1566965857, ClinGen allele CA618001479.

ClinVar aggregate classification (germline): Pathogenic. Review status: criteria provided, multiple submitters, no conflicts (2 of 4 stars). 4 submissions from 4 submitters: Pathogenic (4). Last evaluated 2026-07-20.

Conditions:
Muscular dystrophy, limb-girdle, autosomal dominant 4. Also called: MUSCULAR DYSTROPHY, LIMB-GIRDLE, TYPE 1I; Calpain-3-related limb-girdle muscular dystrophy D4. Identifiers: Orphanet 565909, MedGen C4748295, MONDO:0029133, OMIM 618129.
Autosomal recessive limb-girdle muscular dystrophy type 2A (LGMDR1). Also called: Muscular dystrophy, limb-girdle, type 2A, Amish; Calpainopathy; LEYDEN-MOEBIUS MUSCULAR DYSTROPHY; MUSCULAR DYSTROPHY, PELVOFEMORAL; Limb-girdle muscular dystrophy, type 2A. Identifiers: Orphanet 267, MedGen C1869123, MONDO:0009675, OMIM 253600. Disease mechanism: loss of function.

Allele frequency attached by ClinVar (database versions not stated): TOPMed below 0.00001; gnomAD exomes below 0.00001.

Submissions (4):

GeneDx
Classification: Pathogenic. Last evaluated: 2026-07-20. Review status: criteria provided, single submitter. Criteria: GeneDx Variant Classification Process June 2021. Collection method: clinical testing. Allele origin: germline.
Comment: Frameshift variant predicted to result in protein truncation or nonsense mediated decay in a gene for which loss of function is a known mechanism of disease; Not observed at significant frequency in large population cohorts (gnomAD); This variant is associated with the following publications: (PMID: 10330340, 15689361, 12461690, 34628793, 39678382, 30919934)

Labcorp Genetics (formerly Invitae), Labcorp
Classification: Pathogenic for Autosomal recessive limb-girdle muscular dystrophy type 2A. Last evaluated: 2025-10-28. Review status: criteria provided, single submitter. Criteria: Invitae Variant Classification Sherloc (09022015). Collection method: clinical testing. Allele origin: germline.
Comment: This sequence change creates a premature translational stop signal (p.Pro22Glnfs*35) in the CAPN3 gene. It is expected to result in an absent or disrupted protein product. Loss-of-function variants in CAPN3 are known to be pathogenic (PMID: 10330340, 15689361). This variant is present in population databases (no rsID available, gnomAD 0.003%). This premature translational stop signal has been observed in individuals with autosomal recessive limb-girdle muscular dystrophy (PMID: 10330340, 30919934). ClinVar contains an entry for this variant (Variation ID: 1069199). For these reasons, this variant has been classified as Pathogenic.

Natera, Inc.
Classification: Pathogenic for Limb-girdle muscular dystrophy type 2A. Last evaluated: 2024-10-21. Review status: criteria provided, single submitter. Criteria: Natera Variant Classification Schema (03/2026). Collection method: clinical testing. Allele origin: germline.
Comment: The c.60delA variant in CAPN3 is a frameshift variant predicted to shift the reading frame beginning at codon 22 and leads to a stop codon 35 codons downstream. This variant is expected to result in nonsense mediated decay, truncation, or a dysfunctional protein product. This variant is rare in the general population with a frequency below the threshold expected for the associated phenotype(s). This variant has been observed in one or more individuals affected with the associated recessive disease, as either homozygous or compound heterozygous with a second variant (PMID: 30919934). Given the available evidence, this variant is classified as Pathogenic.

Baylor Genetics
Classification: Pathogenic for Muscular dystrophy, limb-girdle, autosomal dominant 4. Last evaluated: 2023-04-27. Review status: criteria provided, single submitter. Criteria: ACMG Guidelines, 2015. Collection method: clinical testing. Allele origin: unknown.

Literature cited by the submitters: PubMed 10330340 (cited by Labcorp Genetics (formerly Invitae), Labcorp); PubMed 15689361 (cited by Labcorp Genetics (formerly Invitae), Labcorp); PubMed 30919934 (cited by Labcorp Genetics (formerly Invitae), Labcorp and Natera, Inc.).